The following is an entry in ClinVar:

NM_000388.4(CASR):c.2255G>C (p.Arg752Pro)

Gene: CASR (calcium sensing receptor; plus strand). Cytogenetic location: 3q21.1.
Variant type: single nucleotide variant.
Coding change: c.2255G>C on transcript NM_000388.4 (MANE Select); coding-DNA position 2255, G replaced by C.
Protein change: p.Arg752Pro; replaces arginine 752 with proline.
Molecular consequence: missense variant.
Genome position (GRCh38, 1-based): chr3:122,284,209, G>C. VCF-style: chr3-122284209-G-C. GRCh37 (hg19) VCF-style: chr3-122003056-G-C.
Other names: c.2285G>C, p.Arg762Pro (NM_001178065.2); short protein forms R762P, R752P.
Identifiers: ClinVar variation 1423260 (VCV001423260.6), dbSNP rs771529256, ClinGen allele CA354159193.

ClinVar aggregate classification (germline): Uncertain significance (1 of 4 stars; one submission).

Conditions:
Familial hypocalciuric hypercalcemia (FHH). Also called: Familial benign hypercalcemia. Identifiers: Orphanet 405, MedGen C1809471, MONDO:0018458.
Autosomal dominant hypocalcemia 1 (HYPOC1). Also called: HYPOCALCEMIA, FAMILIAL. Identifiers: MedGen C3715128, MONDO:0011013, OMIM 601198.

gnomAD v4.1: 3 of 1,613,972 alleles (0.00019%); highest among the groups gnomAD compares: Non-Finnish European, 0.00025%; no homozygotes.

Submission:

Labcorp Genetics (formerly Invitae), Labcorp
Classification: Uncertain significance for Familial hypocalciuric hypercalcemia; Autosomal dominant hypocalcemia 1. Last evaluated: 2023-05-22. Review status: criteria provided, single submitter. Criteria: Invitae Variant Classification Sherloc (09022015). Collection method: clinical testing. Allele origin: germline.
Comment: This sequence change replaces arginine, which is basic and polar, with proline, which is neutral and non-polar, at codon 752 of the CASR protein (p.Arg752Pro). This variant is not present in population databases (gnomAD no frequency). This variant has not been reported in the literature in individuals affected with CASR-related conditions. ClinVar contains an entry for this variant (Variation ID: 1423260). An algorithm developed to predict the effect of missense changes on protein structure and function (PolyPhen-2) suggests that this variant is likely to be disruptive. In summary, the available evidence is currently insufficient to determine the role of this variant in disease. Therefore, it has been classified as a Variant of Uncertain Significance.